The following is an entry in ClinVar:

ClinVar aggregate classification (germline): Uncertain significance. Review status: criteria provided, multiple submitters, no conflicts (2 of 4 stars). 4 submissions from 3 submitters: Uncertain significance (4). Last evaluated 2023-10-13.

Conditions:
Neurodevelopmental disorder with or without hyperkinetic movements and seizures, autosomal recessive. Identifiers: MedGen C4693325, MONDO:0060629, OMIM 617820.
Neurodevelopmental disorder with or without hyperkinetic movements and seizures, autosomal dominant. Also called: Intellectual disability, autosomal dominant 8. Identifiers: MedGen C3280282, MONDO:0013655, OMIM 614254.
Developmental and epileptic encephalopathy 101 (DEE101). Identifiers: MedGen C5676955, MONDO:0030727, OMIM 619814.

Allele frequency attached by ClinVar (database versions not stated): gnomAD exomes below 0.00001.
gnomAD v4.1: 2 of 1,590,342 alleles (0.00013%); highest among the groups gnomAD compares: Non-Finnish European, 0.00017%; no homozygotes.

Submissions (4):

Labcorp Genetics (formerly Invitae), Labcorp
Classification: Uncertain significance for Neurodevelopmental disorder with or without hyperkinetic movements and seizures, autosomal dominant. Last evaluated: 2023-10-13. Review status: criteria provided, single submitter. Criteria: Invitae Variant Classification Sherloc (09022015). Collection method: clinical testing. Allele origin: germline.
Comment: This sequence change replaces tyrosine, which is neutral and polar, with phenylalanine, which is neutral and non-polar, at codon 245 of the GRIN1 protein (p.Tyr245Phe). This variant is not present in population databases (gnomAD no frequency). This variant has not been reported in the literature in individuals affected with GRIN1-related conditions. ClinVar contains an entry for this variant (Variation ID: 625954). Advanced modeling of protein sequence and biophysical properties (such as structural, functional, and spatial information, amino acid conservation, physicochemical variation, residue mobility, and thermodynamic stability) has been performed at Invitae for this missense variant, however the output from this modeling did not meet the statistical confidence thresholds required to predict the impact of this variant on GRIN1 protein function. In summary, the available evidence is currently insufficient to determine the role of this variant in disease. Therefore, it has been classified as a Variant of Uncertain Significance.

GeneDx
Classification: Uncertain significance. Last evaluated: 2022-03-14. Review status: criteria provided, single submitter. Criteria: GeneDx Variant Classification Process June 2021. Collection method: clinical testing. Allele origin: germline. Affected: yes.
Comment: Not observed at significant frequency in large population cohorts (gnomAD); In silico analysis supports that this missense variant has a deleterious effect on protein structure/function; Has not been previously published as pathogenic or benign to our knowledge; This variant is associated with the following publications: (PMID: 34726335)

Center for Genomics, Ann and Robert H. Lurie Children's Hospital of Chicago
Classification: Uncertain significance for Neurodevelopmental disorder with or without hyperkinetic movements and seizures, autosomal dominant. Last evaluated: 2017-11-07. Review status: criteria provided, single submitter. Criteria: ACMG Guidelines, 2015. Collection method: clinical testing. Allele origin: germline.
Comment: GRIN1 NM_007327.3 exon 5 p.Tyr245Phe (c.734A>T): This variant has not been reported in the literature and is not present in large control databases. Evolutionary conservation and computational predictive tools for this variant are unclear. In summary, data on this variant is insufficient for disease classification. Therefore, the clinical significance of this variant is uncertain.

Center for Genomics, Ann and Robert H. Lurie Children's Hospital of Chicago
Classification: Uncertain significance for Neurodevelopmental disorder with or without hyperkinetic movements and seizures, autosomal recessive; Developmental and epileptic encephalopathy 101; Neurodevelopmental disorder with or without hyperkinetic movements and seizures, autosomal dominant. Review status: criteria provided, single submitter. Criteria: ACMG Guidelines, 2015. Collection method: clinical testing. Allele origin: germline.
Comment: GRIN1 NM_007327 exon 5 p.Tyr245Phe (c.734A>T): This variant has not been reported in the literature and is not present in large control databases. Evolutionary conservation and computational predictive tools for this variant are unclear. In summary, data on this variant is insufficient for disease classification. Therefore, the clinical significance of this variant is uncertain.

NM_007327.4(GRIN1):c.734A>T (p.Tyr245Phe)

Gene: GRIN1 (glutamate ionotropic receptor NMDA type subunit 1; plus strand). Cytogenetic location: 9q34.3.
Variant type: single nucleotide variant.
Coding change: c.734A>T on transcript NM_007327.4 (MANE Select); coding-DNA position 734, A replaced by T.
Protein change: p.Tyr245Phe; replaces tyrosine 245 with phenylalanine.
Molecular consequence: missense variant.
Genome position (GRCh38, 1-based): chr9:137,156,731, A>T. VCF-style: chr9-137156731-A-T. GRCh37 (hg19) VCF-style: chr9-140051183-A-T.
Other names: c.734A>T, p.Tyr245Phe (NM_000832.7, NM_021569.4); c.797A>T, p.Tyr266Phe (NM_001185090.2, NM_001185091.2); short protein forms Y245F, Y266F.
Identifiers: ClinVar variation 625954 (VCV000625954.8), dbSNP rs893141433, ClinGen allele CA201738337.